The following is an entry in ClinVar:

ClinVar aggregate classification (germline): Benign (0 of 4 stars; one submission).

Conditions:
CUL9-related disorder. Also called: CUL9-related condition.

Allele frequency attached by ClinVar (database versions not stated): gnomAD exomes 0.00048; ExAC 0.00154; 1000 Genomes Project 30x 0.00297; 1000 Genomes Project 0.00359; ESP Exome Variant Server 0.00431; gnomAD 0.00461; TOPMed 0.00509.
gnomAD v4.1: 1,442 of 1,614,150 alleles (0.089%); highest among the groups gnomAD compares: African/African-American, 1.6%; 16 homozygotes.

Submission:

PreventionGenetics, part of Exact Sciences
Classification: Benign for CUL9-related condition. Last evaluated: 2019-05-21. Review status: no assertion criteria provided. Collection method: clinical testing. Allele origin: germline.
Comment: This variant is classified as benign based on ACMG/AMP sequence variant interpretation guidelines (Richards et al. 2015 PMID: 25741868, with internal and published modifications).

NM_015089.4(CUL9):c.2049G>A (p.Ala683=)

Gene: CUL9 (cullin 9; plus strand). Cytogenetic location: 6p21.1.
Variant type: single nucleotide variant.
Coding change: c.2049G>A on transcript NM_015089.4 (MANE Select); coding-DNA position 2049, G replaced by A.
Protein change: p.Ala683=; no amino-acid change (alanine 683 retained).
Molecular consequence: synonymous variant.
Genome position (GRCh38, 1-based): chr6:43,188,584, G>A. VCF-style: chr6-43188584-G-A. GRCh37 (hg19) VCF-style: chr6-43156322-G-A.
Identifiers: ClinVar variation 3038922 (VCV003038922.2), dbSNP rs142912012, ClinGen allele CA3817448.